The following is an entry in ClinVar:

ClinVar aggregate classification (germline): Likely pathogenic (1 of 4 stars; one submission).

Submission:

Labcorp Genetics (formerly Invitae), Labcorp
Classification: Likely pathogenic. Last evaluated: 2023-05-31. Review status: criteria provided, single submitter. Criteria: Invitae Variant Classification Sherloc (09022015). Collection method: clinical testing. Allele origin: germline.
Comment: In summary, the currently available evidence indicates that the variant is pathogenic, but additional data are needed to prove that conclusively. Therefore, this variant has been classified as Likely Pathogenic. Algorithms developed to predict the effect of sequence changes on RNA splicing suggest that this variant may disrupt the consensus splice site. This variant has not been reported in the literature in individuals affected with CERKL-related conditions. This variant is not present in population databases (gnomAD no frequency). This sequence change affects an acceptor splice site in intron 7 of the CERKL gene. It is expected to disrupt RNA splicing. Variants that disrupt the donor or acceptor splice site typically lead to a loss of protein function (PMID: 16199547), and loss-of-function variants in CERKL are known to be pathogenic (PMID: 14681825, 23591405, 24043777).

Literature cited by the submitters: PubMed 16199547; PubMed 14681825; PubMed 23591405; PubMed 24043777.

NM_201548.5(CERKL):c.896-2A>G

Gene: CERKL (CERK like autophagy regulator; minus strand). Cytogenetic location: 2q31.3.
Variant type: single nucleotide variant.
Coding change: c.896-2A>G on transcript NM_201548.5 (MANE Select); the canonical splice acceptor site of the intron before coding-DNA position 896, A replaced by G.
Molecular consequence: splice acceptor variant.
Genome position (GRCh38, 1-based): chr2:181,548,859, T>C on the plus strand (A>G on the coding strand, the complement: CERKL is on the minus strand). VCF-style: chr2-181548859-T-C. GRCh37 (hg19) VCF-style: chr2-182413586-T-C.
Other names: c.557-2A>G (NM_001030312.3); c.842-2A>G (NM_001160277.2); c.689-2A>G (NM_001030313.3); c.974-2A>G (NM_001030311.3).
Identifiers: ClinVar variation 2871177 (VCV002871177.3), dbSNP rs2105804184, ClinGen allele CA349737548.